The following is an entry in ClinVar:

ClinVar aggregate classification (germline): Uncertain significance (1 of 4 stars; one submission).

Conditions:
Acrocallosal syndrome (ACLS). Also called: Schinzel syndrome 1; Absence of corpus callosum with unusual facial appearance, mental deficiency, duplication of the halluces and polydactyly; HALLUX DUPLICATION, POSTAXIAL POLYDACTYLY, AND ABSENCE OF CORPUS CALLOSUM. Identifiers: Orphanet 36, MedGen C0796147, MONDO:0008708, OMIM 200990.

Allele frequency attached by ClinVar (database versions not stated): TOPMed 0.00001; gnomAD 0.00002.
gnomAD v4.1: 3 of 1,603,706 alleles (0.00019%); highest among the groups gnomAD compares: Non-Finnish European, 0.00025%; no homozygotes.

Submission:

Labcorp Genetics (formerly Invitae), Labcorp
Classification: Uncertain significance for Acrocallosal syndrome. Last evaluated: 2022-04-10. Review status: criteria provided, single submitter. Criteria: Invitae Variant Classification Sherloc (09022015). Collection method: clinical testing. Allele origin: germline.
Comment: In summary, the available evidence is currently insufficient to determine the role of this variant in disease. Therefore, it has been classified as a Variant of Uncertain Significance. This sequence change affects codon 897 of the KIF7 mRNA. It is a 'silent' change, meaning that it does not change the encoded amino acid sequence of the KIF7 protein. This variant is not present in population databases (gnomAD no frequency). This variant has not been reported in the literature in individuals affected with KIF7-related conditions. Algorithms developed to predict the effect of sequence changes on RNA splicing suggest that this variant may create or strengthen a splice site.

NM_198525.3(KIF7):c.2691C>G (p.Gly897=)

Gene: KIF7 (kinesin family member 7; minus strand). Cytogenetic location: 15q26.1.
Variant type: single nucleotide variant.
Coding change: c.2691C>G on transcript NM_198525.3 (MANE Select); coding-DNA position 2691, C replaced by G.
Protein change: p.Gly897=; no amino-acid change (glycine 897 retained).
Molecular consequence: synonymous variant.
Genome position (GRCh38, 1-based): chr15:89,633,168, G>C on the plus strand (C>G on the coding strand, the complement: KIF7 is on the minus strand). VCF-style: chr15-89633168-G-C. GRCh37 (hg19) VCF-style: chr15-90176399-G-C.
Identifiers: ClinVar variation 2105577 (VCV002105577.4), dbSNP rs780645813, ClinGen allele CA492101041.